The following is an entry in ClinVar:

ClinVar aggregate classification (germline): Uncertain significance (1 of 4 stars; one submission).

Submission:

GeneDx
Classification: Uncertain significance. Last evaluated: 2025-08-19. Review status: criteria provided, single submitter. Criteria: GeneDx Variant Classification Process June 2021. Collection method: clinical testing. Allele origin: germline. Affected: yes.
Comment: Not observed at significant frequency in large population cohorts (gnomAD); Canonical splice site variant in a gene or region of a gene for which loss of function is not a well-established mechanism of disease; Has not been previously published as pathogenic or benign to our knowledge

NM_004301.5(ACTL6A):c.477-1G>C

Gene: ACTL6A (actin like 6A; plus strand). Cytogenetic location: 3q26.33.
Variant type: single nucleotide variant.
Coding change: c.477-1G>C on transcript NM_004301.5 (MANE Select); the canonical splice acceptor site of the intron before coding-DNA position 477, G replaced by C.
Molecular consequence: splice acceptor variant.
Genome position (GRCh38, 1-based): chr3:179,576,216, G>C. VCF-style: chr3-179576216-G-C. GRCh37 (hg19) VCF-style: chr3-179294004-G-C.
Other names: c.351-1G>C (NM_178042.4, NM_177989.4).
Identifiers: ClinVar variation 4796645 (VCV004796645.1).